The following is an entry in ClinVar:

ClinVar aggregate classification (germline): Benign/Likely benign. Review status: criteria provided, multiple submitters, no conflicts (2 of 4 stars). 3 submissions from 3 submitters: Benign (1); Likely benign (2). Last evaluated 2026-06-10.

Conditions:
Inborn genetic diseases. Identifiers: MedGen C0950123, MeSH D030342.
Tumor predisposition syndrome 2 (TPDS2). Also called: MBD4-Related Tumor Predisposition Syndrome; MBD4-associated neoplasia syndrome (MANS); MBD4-ASSOCIATED NEOPLASIA SYNDROME. Identifiers: Orphanet 661526, MedGen C5774186, MONDO:0859267, OMIM 619975.

gnomAD v4.1: 1 of 1,614,116 alleles (0.000062%); highest among the groups gnomAD compares: Non-Finnish European, 0.000085%; no homozygotes.

Submissions (3):

Myriad Genetics, Inc.
Classification: Benign for Tumor predisposition syndrome 2. Last evaluated: 2026-06-10. Review status: criteria provided, single submitter. Criteria: Myriad Autosomal Dominant, Autosomal Recessive and X-Linked Classification Criteria (2023). Collection method: clinical testing. Allele origin: unknown.
Comment: This variant is considered benign. This variant is a silent/synonymous amino acid change and it is not expected to impact splicing.

Labcorp Genetics (formerly Invitae), Labcorp
Classification: Likely benign. Last evaluated: 2025-06-05. Review status: criteria provided, single submitter. Criteria: Invitae Variant Classification Sherloc (09022015). Collection method: clinical testing. Allele origin: germline.

Ambry Genetics
Classification: Likely benign for Inborn genetic diseases. Last evaluated: 2025-01-23. Review status: criteria provided, single submitter. Criteria: Ambry Variant Classification Scheme 2023. Collection method: clinical testing. Allele origin: germline.

NM_001276270.2(MBD4):c.1044T>C (p.Tyr348=)

Gene: MBD4 (methyl-CpG binding domain 4, DNA glycosylase; minus strand). Cytogenetic location: 3q21.3.
Variant type: single nucleotide variant.
Coding change: c.1044T>C on transcript NM_001276270.2 (MANE Select); coding-DNA position 1044, T replaced by C.
Protein change: p.Tyr348=; no amino-acid change (tyrosine 348 retained).
Molecular consequence: synonymous variant. On other transcripts: intron variant (1).
Genome position (GRCh38, 1-based): chr3:129,436,600, A>G on the plus strand (T>C on the coding strand, the complement: MBD4 is on the minus strand). VCF-style: chr3-129436600-A-G. GRCh37 (hg19) VCF-style: chr3-129155443-A-G.
Other names: c.1044T>C, p.Tyr348= (NM_001276271.2, NM_001276272.2, NM_003925.3); c.247+1208T>C (NM_001276273.2).
Identifiers: ClinVar variation 3870909 (VCV003870909.3).